The following is an entry in ClinVar:

ClinVar aggregate classification (germline): Uncertain significance. Review status: criteria provided, multiple submitters, no conflicts (2 of 4 stars). 2 submissions from 2 submitters: Uncertain significance (2). Last evaluated 2022-05-16.

Conditions:
Hereditary breast ovarian cancer syndrome. Also called: Hereditary breast and ovarian cancer syndrome; Hereditary breast and ovarian cancer; Hereditary breast and ovarian cancer syndrome (HBOC); Breast and ovarian cancer; Hereditary breast and/or ovarian cancer syndrome; BRCA1- and BRCA2-Associated Hereditary Breast and Ovarian Cancer. Identifiers: Orphanet 145, MedGen C0677776, MeSH D061325, MONDO:0003582. Disease mechanism: loss of function.
Hereditary cancer-predisposing syndrome. Also called: Neoplastic Syndromes, Hereditary; Tumor predisposition; Hereditary Cancer Syndrome; Hereditary neoplastic syndrome. Identifiers: Orphanet 140162, MedGen C0027672, MeSH D009386, MONDO:0015356.

Submissions (2):

Labcorp Genetics (formerly Invitae), Labcorp
Classification: Uncertain significance for Hereditary breast ovarian cancer syndrome. Last evaluated: 2022-05-16. Review status: criteria provided, single submitter. Criteria: Invitae Variant Classification Sherloc (09022015). Collection method: clinical testing. Allele origin: germline.
Comment: This sequence change replaces proline, which is neutral and non-polar, with arginine, which is basic and polar, at codon 3301 of the BRCA2 protein (p.Pro3301Arg). This variant is not present in population databases (gnomAD no frequency). This variant has not been reported in the literature in individuals affected with BRCA2-related conditions. ClinVar contains an entry for this variant (Variation ID: 483056). Advanced modeling of protein sequence and biophysical properties (such as structural, functional, and spatial information, amino acid conservation, physicochemical variation, residue mobility, and thermodynamic stability) performed at Invitae indicates that this missense variant is not expected to disrupt BRCA2 protein function. In summary, the available evidence is currently insufficient to determine the role of this variant in disease. Therefore, it has been classified as a Variant of Uncertain Significance.

Ambry Genetics
Classification: Uncertain significance for Hereditary cancer-predisposing syndrome. Last evaluated: 2022-01-11. Review status: criteria provided, single submitter. Criteria: Ambry Variant Classification Scheme 2023. Collection method: clinical testing. Allele origin: germline.
Comment: The p.P3301R variant (also known as c.9902C>G), located in coding exon 26 of the BRCA2 gene, results from a C to G substitution at nucleotide position 9902. The proline at codon 3301 is replaced by arginine, an amino acid with dissimilar properties. This amino acid position is highly conserved in available vertebrate species. In addition, this alteration is predicted to be tolerated by in silico analysis. Since supporting evidence is limited at this time, the clinical significance of this alteration remains unclear.

NM_000059.4(BRCA2):c.9902C>G (p.Pro3301Arg)

Gene: BRCA2 (BRCA2 DNA repair associated; plus strand). Cytogenetic location: 13q13.1.
Variant type: single nucleotide variant.
Coding change: c.9902C>G on transcript NM_000059.4 (MANE Select); coding-DNA position 9902, C replaced by G.
Protein change: p.Pro3301Arg; replaces proline 3301 with arginine.
Molecular consequence: missense variant.
Genome position (GRCh38, 1-based): chr13:32,398,415, C>G. VCF-style: chr13-32398415-C-G. GRCh37 (hg19) VCF-style: chr13-32972552-C-G.
Other names: short protein forms P3301R.
Identifiers: ClinVar variation 483056 (VCV000483056.16), dbSNP rs1555289999, ClinGen allele CA387766929.